The following is an entry in ClinVar:

NM_000051.4(ATM):c.5099T>G (p.Leu1700Arg)

Gene: ATM (ATM serine/threonine kinase; plus strand). Cytogenetic location: 11q22.3.
Variant type: single nucleotide variant.
Coding change: c.5099T>G on transcript NM_000051.4 (MANE Select); coding-DNA position 5099, T replaced by G.
Protein change: p.Leu1700Arg; replaces leucine 1700 with arginine.
Molecular consequence: missense variant.
Genome position (GRCh38, 1-based): chr11:108,299,807, T>G. VCF-style: chr11-108299807-T-G. GRCh37 (hg19) VCF-style: chr11-108170534-T-G.
Other names: c.5099T>G, p.Leu1700Arg (NM_001351834.2); short protein forms L1700R.
Identifiers: ClinVar variation 1444736 (VCV001444736.8), dbSNP rs2135890816, ClinGen allele CA382540720.

ClinVar aggregate classification (germline): Uncertain significance (1 of 4 stars; one submission).

Conditions:
Ataxia-telangiectasia syndrome (AT). Also called: Ataxia-telangiectasia; LOUIS-BAR SYNDROME; AT, COMPLEMENTATION GROUP C; Ataxia-telangiectasia, complementation group E; Ataxia telangiectasia (A-T); Cerebello-oculocutaneous telangiectasia. Identifiers: Orphanet 100, MedGen C0004135, MONDO:0008840, OMIM 208900.

Submission:

Labcorp Genetics (formerly Invitae), Labcorp
Classification: Uncertain significance for Ataxia-telangiectasia syndrome. Last evaluated: 2024-08-05. Review status: criteria provided, single submitter. Criteria: Invitae Variant Classification Sherloc (09022015). Collection method: clinical testing. Allele origin: germline.
Comment: This sequence change replaces leucine, which is neutral and non-polar, with arginine, which is basic and polar, at codon 1700 of the ATM protein (p.Leu1700Arg). This variant is not present in population databases (gnomAD no frequency). This variant has not been reported in the literature in individuals affected with ATM-related conditions. ClinVar contains an entry for this variant (Variation ID: 1444736). An algorithm developed to predict the effect of missense changes on protein structure and function (PolyPhen-2) suggests that this variant is likely to be tolerated. In summary, the available evidence is currently insufficient to determine the role of this variant in disease. Therefore, it has been classified as a Variant of Uncertain Significance.